The following is an entry in ClinVar:

NM_001303.4(COX10):c.311C>T (p.Pro104Leu)

Gene: COX10 (cytochrome c oxidase assembly factor heme A:farnesyltransferase COX10; plus strand). Cytogenetic location: 17p12.
Variant type: single nucleotide variant.
Coding change: c.311C>T on transcript NM_001303.4 (MANE Select); coding-DNA position 311, C replaced by T.
Protein change: p.Pro104Leu; replaces proline 104 with leucine.
Molecular consequence: missense variant.
Genome position (GRCh38, 1-based): chr17:14,076,868, C>T. VCF-style: chr17-14076868-C-T. GRCh37 (hg19) VCF-style: chr17-13980185-C-T.
Other names: short protein forms P104L.
Identifiers: ClinVar variation 449007 (VCV000449007.39), dbSNP rs202207627, ClinGen allele CA8402295.

ClinVar aggregate classification (germline): Conflicting classifications of pathogenicity. Review status: criteria provided, conflicting classifications (1 of 4 stars). 7 submissions from 6 submitters: Uncertain significance (6); Likely benign (1). Last evaluated 2025-11-20.

Conditions:
Leigh syndrome (NULS). Also called: Leigh's syndrome; LEIGH SYNDROME, NUCLEAR; Leigh Disease; Subacute necrotizing encephalopathy; Necrotizing encephalopathy infantile subacute of Leigh; Leigh's necrotizing encephalopathy. Identifiers: Orphanet 506, MedGen C2931891, MONDO:0009723, OMIM 256000.
Mitochondrial complex IV deficiency, nuclear type 3. Also called: Mitochondrial complex 4 deficiency, nuclear type 3. Identifiers: MedGen C5436682, MONDO:0033635, OMIM 619046.
Mitochondrial complex IV deficiency, nuclear type 1 (MC4DN1). Also called: Mitochondrial complex IV deficiency; Complex 4 mitochondrial respiratory chain deficiency; Deficiency of mitochondrial respiratory chain complex4; Complex IV deficiency; COX DEFICIENCY. Identifiers: MedGen C5435656, MONDO:0700250, OMIM 220110. Disease mechanism: loss of function.

Allele frequency attached by ClinVar (database versions not stated): TOPMed 0.00016; gnomAD 0.00017 and 0.00016; gnomAD exomes 0.00018 and 0.00020; 1000 Genomes Project 0.00020; ExAC 0.00026; ESP Exome Variant Server 0.00008; 1000 Genomes Project 30x 0.00016.
gnomAD v4.1: 292 of 1,614,098 alleles (0.018%); highest among the groups gnomAD compares: Middle Eastern, 0.16%; no homozygotes.

Submissions (8):

GeneDx
Classification: Uncertain significance. Last evaluated: 2025-11-20. Review status: criteria provided, single submitter. Criteria: GeneDx Variant Classification Process June 2021. Collection method: clinical testing. Allele origin: germline. Affected: yes.
Comment: In vitro functional analysis shows variant p.D336V may negatively affect function (PMID: 39152498); In silico analysis suggests that this missense variant does not alter protein structure/function; This variant is associated with the following publications: (PMID: 39152498)

CeGaT Center for Human Genetics Tuebingen
Classification: Likely benign. Last evaluated: 2023-09-01. Review status: criteria provided, single submitter. Criteria: CeGaT Center For Human Genetics Tuebingen Variant Classification Criteria Version 2. Collection method: clinical testing. Allele origin: germline. Affected: yes. Observed: 1 variant allele.
Comment: COX10: BP4

Labcorp Genetics (formerly Invitae), Labcorp
Classification: Uncertain significance. Last evaluated: 2022-07-06. Review status: criteria provided, single submitter. Criteria: Invitae Variant Classification Sherloc (09022015). Collection method: clinical testing. Allele origin: germline.
Comment: This sequence change replaces proline, which is neutral and non-polar, with leucine, which is neutral and non-polar, at codon 104 of the COX10 protein (p.Pro104Leu). This variant is present in population databases (rs202207627, gnomAD 0.1%). This variant has not been reported in the literature in individuals affected with COX10-related conditions. ClinVar contains an entry for this variant (Variation ID: 449007). Algorithms developed to predict the effect of missense changes on protein structure and function output the following: SIFT: "Tolerated"; PolyPhen-2: "Benign"; Align-GVGD: "Class C0". The leucine amino acid residue is found in multiple mammalian species, which suggests that this missense change does not adversely affect protein function. In summary, the available evidence is currently insufficient to determine the role of this variant in disease. Therefore, it has been classified as a Variant of Uncertain Significance.

Fulgent Genetics
Classification: Uncertain significance for Mitochondrial complex IV deficiency, nuclear type 3. Last evaluated: 2021-12-25. Review status: criteria provided, single submitter. Criteria: ACMG Guidelines, 2015. Collection method: clinical testing. Allele origin: unknown.

Baylor Genetics
Classification: Uncertain significance for Leigh syndrome. Last evaluated: 2018-05-15. Review status: criteria provided, single submitter. Criteria: ACMG Guidelines, 2015. Collection method: clinical testing. Allele origin: unknown. Affected: yes.
Comment: This variant was determined to be of uncertain significance according to ACMG Guidelines, 2015 [PMID:25741868].

Illumina Laboratory Services, Illumina
Classification: Uncertain significance for Leigh syndrome. Last evaluated: 2018-01-12. Review status: criteria provided, single submitter. Criteria: ICSL Variant Classification Criteria 13 December 2019. Collection method: clinical testing. Allele origin: germline.

Illumina Laboratory Services, Illumina
Classification: Uncertain significance for Mitochondrial complex IV deficiency, nuclear type 1. Last evaluated: 2018-01-12. Review status: criteria provided, single submitter. Criteria: ICSL Variant Classification Criteria 13 December 2019. Collection method: clinical testing. Allele origin: germline.

Johnston Lab, North Central College
No classification provided (evidence only). Review status: no classification provided. Collection method: in vitro. Allele origin: not applicable. Functional consequence: functionally_normal. Not counted in ClinVar's aggregate classification.
ClinVar note: "not provided" was previously submitted as the classification for the variant. However, the classification appeared to be based only on an observation of functional data so it was converted to no classification on 2025-07-30.